The following is an entry in ClinVar:

ClinVar aggregate classification (germline): Uncertain significance (1 of 4 stars; one submission).

gnomAD v4.1: 1 of 1,613,608 alleles (0.000062%); highest among the groups gnomAD compares: Non-Finnish European, 0.000085%; no homozygotes.

Submission:

Labcorp Genetics (formerly Invitae), Labcorp
Classification: Uncertain significance. Last evaluated: 2024-03-07. Review status: criteria provided, single submitter. Criteria: Invitae Variant Classification Sherloc (09022015). Collection method: clinical testing. Allele origin: germline.
Comment: This sequence change replaces alanine, which is neutral and non-polar, with threonine, which is neutral and polar, at codon 1703 of the FREM2 protein (p.Ala1703Thr). This variant is not present in population databases (gnomAD no frequency). This variant has not been reported in the literature in individuals affected with FREM2-related conditions. Advanced modeling of protein sequence and biophysical properties (such as structural, functional, and spatial information, amino acid conservation, physicochemical variation, residue mobility, and thermodynamic stability) performed at Invitae indicates that this missense variant is not expected to disrupt FREM2 protein function with a negative predictive value of 80%. In summary, the available evidence is currently insufficient to determine the role of this variant in disease. Therefore, it has been classified as a Variant of Uncertain Significance.

NM_207361.6(FREM2):c.5107G>A (p.Ala1703Thr)

Gene: FREM2 (FRAS1 related extracellular matrix 2; plus strand). Cytogenetic location: 13q13.3.
Variant type: single nucleotide variant.
Coding change: c.5107G>A on transcript NM_207361.6 (MANE Select); coding-DNA position 5107, G replaced by A.
Protein change: p.Ala1703Thr; replaces alanine 1703 with threonine.
Molecular consequence: missense variant.
Genome position (GRCh38, 1-based): chr13:38,692,451, G>A. VCF-style: chr13-38692451-G-A. GRCh37 (hg19) VCF-style: chr13-39266588-G-A.
Other names: short protein forms A1703T.
Identifiers: ClinVar variation 3690446 (VCV003690446.2).